The following is an entry in ClinVar:

ClinVar aggregate classification (germline): Uncertain significance (1 of 4 stars; one submission).

Conditions:
Leber congenital amaurosis 3 (LCA3). Also called: SPATA7-Related Retinitis Pigmentosa. Identifiers: MedGen C1858677, MONDO:0011415, OMIM 604232.

Allele frequency attached by ClinVar (database versions not stated): gnomAD exomes 0.00001.
gnomAD v4.1: 1 of 1,614,138 alleles (0.000062%); highest among the groups gnomAD compares: South Asian, 0.0011%; no homozygotes.

Submission:

Labcorp Genetics (formerly Invitae), Labcorp
Classification: Uncertain significance for Leber congenital amaurosis 3. Last evaluated: 2021-10-31. Review status: criteria provided, single submitter. Criteria: Invitae Variant Classification Sherloc (09022015). Collection method: clinical testing. Allele origin: germline.
Comment: This sequence change replaces methionine, which is neutral and non-polar, with leucine, which is neutral and non-polar, at codon 493 of the SPATA7 protein (p.Met493Leu). This variant is present in population databases (no rsID available, gnomAD 0.003%). This variant has not been reported in the literature in individuals affected with SPATA7-related conditions. Algorithms developed to predict the effect of missense changes on protein structure and function output the following: SIFT: "Tolerated"; PolyPhen-2: "Benign"; Align-GVGD: "Class C0". The leucine amino acid residue is found in multiple mammalian species, which suggests that this missense change does not adversely affect protein function. In summary, the available evidence is currently insufficient to determine the role of this variant in disease. Therefore, it has been classified as a Variant of Uncertain Significance.

NM_018418.5(SPATA7):c.1477A>T (p.Met493Leu)

Gene: SPATA7 (spermatogenesis associated 7; plus strand). Cytogenetic location: 14q31.3.
Variant type: single nucleotide variant.
Coding change: c.1477A>T on transcript NM_018418.5 (MANE Select); coding-DNA position 1477, A replaced by T.
Protein change: p.Met493Leu; replaces methionine 493 with leucine.
Molecular consequence: missense variant.
Genome position (GRCh38, 1-based): chr14:88,438,099, A>T. VCF-style: chr14-88438099-A-T. GRCh37 (hg19) VCF-style: chr14-88904443-A-T.
Other names: c.1381A>T, p.Met461Leu (NM_001040428.4); short protein forms M461L, M493L.
Identifiers: ClinVar variation 1390091 (VCV001390091.6), dbSNP rs1229447697, ClinGen allele CA390572173.
Genomic context (GRCh38, chr14:88,438,099, plus strand): 5'-ATGTTATTGTCGGCACCAAAGGATGAGAACGAGATATTCCCTTCACCAACTGAATTTTTC[A>T]TGCCTATTTATAAATCAAAGCATTCAGAAGGGGTTATAATTCAACAGGTGAATGATGAAA-3'
Protein context (NP_060888.2, residues 483-503): EIFPSPTEFF[Met493Leu]PIYKSKHSEG